The following is an entry in ClinVar:

ClinVar aggregate classification (germline): Uncertain significance (1 of 4 stars; one submission).

Conditions:
Brown-Vialetto-van Laere syndrome 2. Also called: Riboflavin transporter deficiency type 2; SPINOCEREBELLAR ATAXIA WITH BLINDNESS AND DEAFNESS 2. Identifiers: Orphanet 572543, Orphanet 97229, MedGen C3553538, MONDO:0013867, OMIM 614707.

Submission:

Labcorp Genetics (formerly Invitae), Labcorp
Classification: Uncertain significance for Brown-Vialetto-van Laere syndrome 2. Last evaluated: 2020-07-08. Review status: criteria provided, single submitter. Criteria: Invitae Variant Classification Sherloc (09022015). Collection method: clinical testing. Allele origin: germline.
Comment: This variant results in a copy number gain of the genomic region encompassing the full coding sequence of the SLC52A2 gene. The boundaries of this event are unknown as they extend beyond the assayed region for this gene and therefore may encompass additional genes. As the precise location of this event is unknown, it may be in tandem or it may be located elsewhere in the genome. This variant has not been reported in the literature in individuals with SLC52A2-related conditions. In summary, the available evidence is currently insufficient to determine the role of this variant in disease. Therefore, it has been classified as a Variant of Uncertain Significance.

NC_000008.10:g.(?_145047561)_(145701149_?)dup

Genes: CPSF1 (cleavage and polyadenylation specific factor 1; minus strand), ADCK5 (aarF domain containing kinase 5; plus strand), BOP1 (BOP1 ribosomal biogenesis factor; minus strand), CATSPERQ (catsper channel auxiliary subunit theta; minus strand), CYC1 (cytochrome c1; plus strand) and 24 more. Cytogenetic location: 8q24.3.
Variant type: Duplication.
Identifiers: ClinVar variation 1004495 (VCV001004495.1).